The following is an entry in ClinVar:

NM_005744.5(ARIH1):c.257_258insCGGTGG (p.Gly90_Pro91insGlyGly)

Gene: ARIH1 (ariadne RBR E3 ubiquitin protein ligase 1; plus strand). Cytogenetic location: 15q24.1.
Variant type: Insertion.
Coding change: c.257_258insCGGTGG on transcript NM_005744.5 (MANE Select); coding-DNA positions 257 to 258, CGGTGG inserted.
Protein change: p.Gly90_Pro91insGlyGly.
Molecular consequence: inframe insertion.
Genome position: GRCh38 VCF-style: chr15-72474894-C-CGGCGGT. GRCh37 (hg19) VCF-style: chr15-72767235-C-CGGCGGT.
Identifiers: ClinVar variation 2971287 (VCV002971287.3), dbSNP rs2063787862, ClinGen allele CA618963044.

ClinVar aggregate classification (germline): Uncertain significance (1 of 4 stars; one submission).

Submission:

Labcorp Genetics (formerly Invitae), Labcorp
Classification: Uncertain significance. Last evaluated: 2025-09-21. Review status: criteria provided, single submitter. Criteria: Invitae Variant Classification Sherloc (09022015). Collection method: clinical testing. Allele origin: germline.
Comment: This variant, c.257_258insCGGTGG, results in the insertion of 2 amino acid(s) of the ARIH1 protein (p.Gly89_Gly90dup), but otherwise preserves the integrity of the reading frame. The frequency data for this variant in the population databases is considered unreliable, as metrics indicate poor data quality at this position in the gnomAD database. This variant has not been reported in the literature in individuals affected with ARIH1-related conditions. ClinVar contains an entry for this variant (Variation ID: 2971287). In summary, the available evidence is currently insufficient to determine the role of this variant in disease. Therefore, it has been classified as a Variant of Uncertain Significance.